The following is an entry in ClinVar:

NM_020774.4(MIB1):c.1986G>A (p.Gln662=)

Gene: MIB1 (MIB E3 ubiquitin protein ligase 1; plus strand). Cytogenetic location: 18q11.2.
Variant type: single nucleotide variant.
Coding change: c.1986G>A on transcript NM_020774.4 (MANE Select); coding-DNA position 1986, G replaced by A.
Protein change: p.Gln662=; no amino-acid change (glutamine 662 retained).
Molecular consequence: synonymous variant.
Genome position (GRCh38, 1-based): chr18:21,843,154, G>A. VCF-style: chr18-21843154-G-A. GRCh37 (hg19) VCF-style: chr18-19423115-G-A.
Identifiers: ClinVar variation 3383786 (VCV003383786.1).

ClinVar aggregate classification (germline): Uncertain significance (1 of 4 stars; one submission).

Submission:

GeneDx
Classification: Uncertain significance. Last evaluated: 2024-05-30. Review status: criteria provided, single submitter. Criteria: GeneDx Variant Classification Process June 2021. Collection method: clinical testing. Allele origin: germline. Affected: yes.
Comment: Has not been previously published as pathogenic or benign to our knowledge; Not observed at significant frequency in large population cohorts (gnomAD); In silico analysis indicates that this variant does not alter splicing